The following is an entry in ClinVar:

ClinVar aggregate classification (germline): Likely pathogenic. Review status: criteria provided, multiple submitters, no conflicts (2 of 4 stars). 2 submissions from 2 submitters: Likely pathogenic (2). Last evaluated 2026-03-13.

Conditions:
Van der Woude syndrome. Identifiers: Orphanet 888, MedGen C0175697, MONDO:0019508.

Submissions (2):

Genetics Laboratory, Great Ormond Street Hospital NHS Foundation Trust, North Thames Genomic Laboratory Hub
Classification: Likely pathogenic for Van der Woude syndrome. Last evaluated: 2026-03-13. Review status: criteria provided, single submitter. Criteria: ACGS Best Practice Guidelines for Variant Classification in Rare Disease 2024 v1.2. Collection method: clinical testing. Allele origin: germline. Affected: yes.
Comment: PS4_moderate, PM2_moderate, PP3_supporting, PM5_supporting, PM1_supporting

GeneDx
Classification: Likely pathogenic. Last evaluated: 2016-01-13. Review status: criteria provided, single submitter. Criteria: GeneDx Variant Classification (06012015). Collection method: clinical testing. Allele origin: germline. Affected: yes.
Comment: A novel K34E variant that is likely pathogenic was identified in the IRF6 gene. It has been published previously in association with van der Woude syndrome (Peyrard-Janvid et al., 2005). It was not observed in approximately 6,500 individuals of European and African American ancestry in the NHLBI Exome Sequencing Project, indicating it is not a common benign variant in these populations. K34E is a non-conservative amino acid substitution, which is likely to impact secondary protein structure as these residues differ in polarity, charge, size and/or other properties. This substitution occurs at a position within a DNA-binding domain that is conserved in mammals, and in silico analysis predicts this variant is probably damaging to the protein structure/function. Missense variants in the same codon (K34T) and in nearby residues (R31T, R35P, F36S, I38S, P39S/A) have been reported in the Human Gene Mutation Database in association with van der Woude syndrome (Stenson et al., 2014), supporting the functional importance of this region of the protein. Therefore, this variant is likely pathogenic.

NM_006147.4(IRF6):c.100A>G (p.Lys34Glu)

Gene: IRF6 (interferon regulatory factor 6; minus strand). Cytogenetic location: 1q32.2.
Variant type: single nucleotide variant.
Coding change: c.100A>G on transcript NM_006147.4 (MANE Select); coding-DNA position 100, A replaced by G.
Protein change: p.Lys34Glu; replaces lysine 34 with glutamic acid.
Molecular consequence: missense variant. On other transcripts: intron variant (1).
Genome position (GRCh38, 1-based): chr1:209,801,314, T>C on the plus strand (A>G on the coding strand, the complement: IRF6 is on the minus strand). VCF-style: chr1-209801314-T-C. GRCh37 (hg19) VCF-style: chr1-209974659-T-C.
Other names: c.-112+4633A>G (NM_001206696.2); short protein forms K34E.
Identifiers: ClinVar variation 381662 (VCV000381662.3), dbSNP rs1057521133, ClinGen allele CA16603560.
Genomic context (GRCh38, chr1:209,801,314, plus strand): 5'-TTTCCTCTTCTTGTTGAGGGCTATGCCGGGTGGCATGTTTCCAGGGAATCTGGAAGCGTT[T>C]AGAGTCCCTGTGTAGCCAGATGAGCCCAGGGTAGAGGCCACTATCCACCTGGGCCACCAG-3'
Protein context (NP_006138.1, residues 24-44): PGLIWLHRDS[Lys34Glu]RFQIPWKHAT